The following is an entry in ClinVar:

NM_001845.6(COL4A1):c.586G>C (p.Val196Leu)

Gene: COL4A1 (collagen type IV alpha 1 chain; minus strand). Cytogenetic location: 13q34.
Variant type: single nucleotide variant.
Coding change: c.586G>C on transcript NM_001845.6 (MANE Select); coding-DNA position 586, G replaced by C.
Protein change: p.Val196Leu; replaces valine 196 with leucine.
Molecular consequence: missense variant.
Genome position (GRCh38, 1-based): chr13:110,210,009, C>G on the plus strand (G>C on the coding strand, the complement: COL4A1 is on the minus strand). VCF-style: chr13-110210009-C-G. GRCh37 (hg19) VCF-style: chr13-110862356-C-G.
Other names: c.586G>C, p.Val196Leu (NM_001303110.2); short protein forms V196L.
Identifiers: ClinVar variation 2847600 (VCV002847600.3), dbSNP rs1222813336, ClinGen allele CA388725485.
Genomic context (GRCh38, chr13:110,210,009, plus strand): 5'-TTGCCTCGGAGAGACAGCCCCCAAAACTTACTGGTGGTCCGGTAAATCCTGGAGGCCCAA[C>G]AGGACCTTGAAGCCCTGGCAGTCCTGGTGGGCCCTAGAATGCATGAGAAAGAAATGAGTT-3'
Protein context (NP_001836.3, residues 186-206): PPGLPGLQGP[Val196Leu]GPPGFTGPPG

ClinVar aggregate classification (germline): Uncertain significance (1 of 4 stars; one submission).

gnomAD v4.1: 1 of 1,614,196 alleles (0.000062%); highest among the groups gnomAD compares: South Asian, 0.0011%; no homozygotes.

Submission:

Labcorp Genetics (formerly Invitae), Labcorp
Classification: Uncertain significance. Last evaluated: 2023-03-19. Review status: criteria provided, single submitter. Criteria: Invitae Variant Classification Sherloc (09022015). Collection method: clinical testing. Allele origin: germline.
Comment: This sequence change replaces valine, which is neutral and non-polar, with leucine, which is neutral and non-polar, at codon 196 of the COL4A1 protein (p.Val196Leu). This variant is present in population databases (no rsID available, gnomAD 0.003%). This variant has not been reported in the literature in individuals affected with COL4A1-related conditions. Advanced modeling of protein sequence and biophysical properties (such as structural, functional, and spatial information, amino acid conservation, physicochemical variation, residue mobility, and thermodynamic stability) performed at Invitae indicates that this missense variant is not expected to disrupt COL4A1 protein function. In summary, the available evidence is currently insufficient to determine the role of this variant in disease. Therefore, it has been classified as a Variant of Uncertain Significance.